The following is an entry in ClinVar:

ClinVar aggregate classification (germline): Uncertain significance. Review status: criteria provided, multiple submitters, no conflicts (2 of 4 stars). 2 submissions from 2 submitters: Uncertain significance (2). Last evaluated 2025-11-11.

Conditions:
Dilated cardiomyopathy 1G (CMD1G). Identifiers: Orphanet 154, MedGen C1858763, MONDO:0011400, OMIM 604145.
Autosomal recessive limb-girdle muscular dystrophy type 2J (LGMDR10). Also called: Limb-girdle muscular dystrophy, type 2J; MUSCULAR DYSTROPHY, LIMB-GIRDLE, AUTOSOMAL RECESSIVE 10. Identifiers: Orphanet 140922, MedGen C1837342, MONDO:0012127, OMIM 608807.

Allele frequency attached by ClinVar (database versions not stated): TOPMed below 0.00001; ExAC 0.00001; gnomAD exomes 0.00001 and 0.00003.
gnomAD v4.1: 38 of 1,613,936 alleles (0.0024%); highest among the groups gnomAD compares: Non-Finnish European, 0.0031%; no homozygotes.

Submissions (2):

Labcorp Genetics (formerly Invitae), Labcorp
Classification: Uncertain significance for Dilated cardiomyopathy 1G; Autosomal recessive limb-girdle muscular dystrophy type 2J. Last evaluated: 2025-11-11. Review status: criteria provided, single submitter. Criteria: Invitae Variant Classification Sherloc (09022015). Collection method: clinical testing. Allele origin: germline.
Comment: This sequence change replaces threonine, which is neutral and polar, with isoleucine, which is neutral and non-polar, at codon 34722 of the TTN protein (p.Thr34722Ile). This variant is present in population databases (rs770151999, gnomAD 0.003%). This variant has not been reported in the literature in individuals affected with TTN-related conditions. ClinVar contains an entry for this variant (Variation ID: 1052047). Experimental studies and prediction algorithms are not available or were not evaluated, and the functional significance of this variant is currently unknown. This variant is located in the M band of TTN (PMID: 25589632). Non-truncating variants in this region may be relevant for neuromuscular disorders, but have not been definitively shown to cause cardiomyopathy (PMID: 23975875). In summary, the available evidence is currently insufficient to determine the role of this variant in disease. Therefore, it has been classified as a Variant of Uncertain Significance.

GeneDx
Classification: Uncertain significance. Last evaluated: 2022-04-21. Review status: criteria provided, single submitter. Criteria: GeneDx Variant Classification Process June 2021. Collection method: clinical testing. Allele origin: germline. Affected: yes.
Comment: Not observed at significant frequency in large population cohorts (gnomAD); Missense variant in a gene in which most reported pathogenic variants are truncating/loss of function; Has not been previously published as pathogenic or benign to our knowledge

Literature cited by the submitters: PubMed 25589632 (cited by Labcorp Genetics (formerly Invitae), Labcorp); PubMed 23975875 (cited by Labcorp Genetics (formerly Invitae), Labcorp).

NM_001267550.2(TTN):c.104165C>T (p.Thr34722Ile)

Genes: TTN (titin; minus strand), TTN-AS1 (TTN antisense RNA 1; plus strand). Cytogenetic location: 2q31.2.
Variant type: single nucleotide variant.
Coding change: c.104165C>T on transcript NM_001267550.2 (MANE Select); coding-DNA position 104165, C replaced by T.
Protein change: p.Thr34722Ile; replaces threonine 34722 with isoleucine.
Molecular consequence: missense variant.
Genome position (GRCh38, 1-based): chr2:178,532,450, G>A on the plus strand (C>T on the coding strand, the complement: TTN is on the minus strand). VCF-style: chr2-178532450-G-A. GRCh37 (hg19) VCF-style: chr2-179397177-G-A.
Other names: c.99242C>T, p.Thr33081Ile (NM_001256850.1); c.76970C>T, p.Thr25657Ile (NM_003319.4); c.96461C>T, p.Thr32154Ile (NM_133378.4); c.77345C>T, p.Thr25782Ile (NM_133432.3); c.77546C>T, p.Thr25849Ile (NM_133437.4); short protein forms T25657I, T25782I, T25849I, T32154I, T33081I, T34722I.
Identifiers: ClinVar variation 1052047 (VCV001052047.10), dbSNP rs770151999, ClinGen allele CA1985472.